The following is an entry in ClinVar:

ClinVar aggregate classification (germline): Conflicting classifications of pathogenicity. Review status: criteria provided, conflicting classifications (1 of 4 stars). 2 submissions from 2 submitters: Uncertain significance (1); Benign (1). Last evaluated 2025-12-16.

Conditions:
Inborn genetic diseases. Identifiers: MedGen C0950123, MeSH D030342.

gnomAD v4.1: 322 of 1,613,424 alleles (0.02%); highest among the groups gnomAD compares: South Asian, 0.3%; 2 homozygotes.

Submissions (2):

Ambry Genetics
Classification: Uncertain significance for Inborn genetic diseases. Last evaluated: 2025-12-16. Review status: criteria provided, single submitter. Criteria: Ambry Variant Classification Scheme 2023. Collection method: clinical testing. Allele origin: germline.

CeGaT Center for Human Genetics Tuebingen
Classification: Benign. Last evaluated: 2024-10-01. Review status: criteria provided, single submitter. Criteria: CeGaT Center For Human Genetics Tuebingen Variant Classification Criteria Version 2. Collection method: clinical testing. Allele origin: germline. Affected: yes. Observed: 2 variant alleles.
Comment: DMPK: BS1, BS2

NM_004409.5(DMPK):c.893C>T (p.Ser298Phe)

Gene: DMPK (DM1 protein kinase; minus strand). Cytogenetic location: 19q13.32.
Variant type: single nucleotide variant.
Coding change: c.893C>T on transcript NM_004409.5 (MANE Select); coding-DNA position 893, C replaced by T.
Protein change: p.Ser298Phe; replaces serine 298 with phenylalanine.
Molecular consequence: missense variant.
Genome position (GRCh38, 1-based): chr19:45,777,580, G>A on the plus strand (C>T on the coding strand, the complement: DMPK is on the minus strand). VCF-style: chr19-45777580-G-A. GRCh37 (hg19) VCF-style: chr19-46280838-G-A.
Other names: c.893C>T, p.Ser298Phe (NM_001081560.3, NM_001081562.3, NM_001288766.2 and 5 more transcripts); c.923C>T, p.Ser308Phe (NM_001081563.3); c.971C>T, p.Ser324Phe (NM_001288764.2, NM_001424163.1); c.626C>T, p.Ser209Phe (NM_001288765.2); c.452C>T, p.Ser151Phe (NM_001424166.1); c.923C>T (NM_001081563.1); short protein forms S151F, S209F, S298F, S308F, S324F.
Identifiers: ClinVar variation 3256961 (VCV003256961.17).